The following is an entry in ClinVar:

NM_020693.4(DSCAML1):c.1535G>A (p.Arg512Gln)

Gene: DSCAML1 (DS cell adhesion molecule like 1; minus strand). Cytogenetic location: 11q23.3.
Variant type: single nucleotide variant.
Coding change: c.1535G>A on transcript NM_020693.4 (MANE Select); coding-DNA position 1535, G replaced by A.
Protein change: p.Arg512Gln; replaces arginine 512 with glutamine.
Molecular consequence: missense variant.
Genome position (GRCh38, 1-based): chr11:117,516,715, C>T on the plus strand (G>A on the coding strand, the complement: DSCAML1 is on the minus strand). VCF-style: chr11-117516715-C-T. GRCh37 (hg19) VCF-style: chr11-117387430-C-T.
Other names: c.1535G>A, p.Arg512Gln (NM_001367904.1); c.1715G>A (NM_020693.2); short protein forms R512Q.
Identifiers: ClinVar variation 1368133 (VCV001368133.8), dbSNP rs370308260, ClinGen allele CA6297226.

ClinVar aggregate classification (germline): Uncertain significance. Review status: criteria provided, multiple submitters, no conflicts (2 of 4 stars). 2 submissions from 2 submitters: Uncertain significance (2). Last evaluated 2025-11-13.

Allele frequency attached by ClinVar (database versions not stated): gnomAD exomes 0.00004; TOPMed 0.00005; ESP Exome Variant Server 0.00008; gnomAD 0.00002; ExAC 0.00004.
gnomAD v4.1: 66 of 1,613,496 alleles (0.0041%); highest among the groups gnomAD compares: Admixed American, 0.01%; no homozygotes.

Submissions (2):

Labcorp Genetics (formerly Invitae), Labcorp
Classification: Uncertain significance. Last evaluated: 2025-11-13. Review status: criteria provided, single submitter. Criteria: Invitae Variant Classification Sherloc (09022015). Collection method: clinical testing. Allele origin: germline.
Comment: This sequence change replaces arginine, which is basic and polar, with glutamine, which is neutral and polar, at codon 572 of the DSCAML1 protein (p.Arg572Gln). This variant is present in population databases (rs370308260, gnomAD 0.01%). This variant has not been reported in the literature in individuals affected with DSCAML1-related conditions. ClinVar contains an entry for this variant (Variation ID: 1368133). An algorithm developed to predict the effect of missense changes on protein structure and function (PolyPhen-2) suggests that this variant is likely to be tolerated. In summary, the available evidence is currently insufficient to determine the role of this variant in disease. Therefore, it has been classified as a Variant of Uncertain Significance.

Ambry Genetics
Classification: Uncertain significance. Last evaluated: 2024-12-04. Review status: criteria provided, single submitter. Criteria: Ambry Variant Classification Scheme 2023. Collection method: clinical testing. Allele origin: germline.